The following is an entry in ClinVar:

NM_144670.6(A2ML1):c.3398A>G (p.Asn1133Ser)

Gene: A2ML1 (alpha-2-macroglobulin like 1; plus strand). Cytogenetic location: 12p13.31.
Variant type: single nucleotide variant.
Coding change: c.3398A>G on transcript NM_144670.6 (MANE Select); coding-DNA position 3398, A replaced by G.
Protein change: p.Asn1133Ser; replaces asparagine 1133 with serine.
Molecular consequence: missense variant.
Genome position (GRCh38, 1-based): chr12:8,861,193, A>G. VCF-style: chr12-8861193-A-G. GRCh37 (hg19) VCF-style: chr12-9013789-A-G.
Other names: c.3398A>G (NM_144670.5); c.1925A>G, p.Asn642Ser (NM_001282424.3); short protein forms N642S, N1133S.
Identifiers: ClinVar variation 1730957 (VCV001730957.8), dbSNP rs763783506, ClinGen allele CA6436374.

ClinVar aggregate classification (germline): Conflicting classifications of pathogenicity. Review status: criteria provided, conflicting classifications (1 of 4 stars). 3 submissions from 3 submitters: Uncertain significance (2); Likely benign (1). Last evaluated 2025-10-06.

Conditions:
A2ML1-related disorder. Also called: A2ML1-related condition.

Allele frequency attached by ClinVar (database versions not stated): gnomAD 0.00001; gnomAD exomes 0.00001; ExAC 0.00003.
gnomAD v4.1: 23 of 1,614,038 alleles (0.0014%); highest among the groups gnomAD compares: South Asian, 0.0088%; no homozygotes.

Submissions (3):

PreventionGenetics, part of Exact Sciences
Classification: Uncertain significance for A2ML1-related condition. Last evaluated: 2025-10-06. Review status: criteria provided, single submitter. Criteria: ACMG Guidelines, 2015. Collection method: clinical testing. Allele origin: germline.
Comment: The A2ML1 c.3398A>G variant is predicted to result in the amino acid substitution p.Asn1133Ser. To our knowledge, this variant has not been reported in the literature. This variant is reported in 0.0098% of alleles in individuals of South Asian descent in gnomAD. At this time, the clinical significance of this variant is uncertain due to the absence of conclusive functional and genetic evidence.

Labcorp Genetics (formerly Invitae), Labcorp
Classification: Uncertain significance. Last evaluated: 2024-11-03. Review status: criteria provided, single submitter. Criteria: Invitae Variant Classification Sherloc (09022015). Collection method: clinical testing. Allele origin: germline.
Comment: This sequence change replaces asparagine, which is neutral and polar, with serine, which is neutral and polar, at codon 1133 of the A2ML1 protein (p.Asn1133Ser). This variant is present in population databases (rs763783506, gnomAD 0.01%). This variant has not been reported in the literature in individuals affected with A2ML1-related conditions. ClinVar contains an entry for this variant (Variation ID: 1730957). An algorithm developed to predict the effect of missense changes on protein structure and function outputs the following: PolyPhen-2: "Benign". The serine amino acid residue is found in multiple mammalian species, which suggests that this missense change does not adversely affect protein function. In summary, the available evidence is currently insufficient to determine the role of this variant in disease. Therefore, it has been classified as a Variant of Uncertain Significance.

Ambry Genetics
Classification: Likely benign. Last evaluated: 2021-11-19. Review status: criteria provided, single submitter. Criteria: Ambry Variant Classification Scheme 2023. Collection method: clinical testing. Allele origin: germline.